The following is an entry in ClinVar:

ClinVar aggregate classification (germline): Uncertain significance. Review status: criteria provided, multiple submitters, no conflicts (2 of 4 stars). 7 submissions from 7 submitters: Uncertain significance (7). Last evaluated 2025-09-25.

Conditions:
Congenital multicore myopathy with external ophthalmoplegia (CMYO1B). Also called: Congenital myopathy 1B, autosomal recessive; Minicore myopathy; MULTIMINICORE DISEASE WITH EXTERNAL OPHTHALMOPLEGIA; MULTICORE MYOPATHY; Minicore myopathy with external ophthalmoplegia. Identifiers: Orphanet 598, Orphanet 98905, MedGen C1850674, MONDO:0009712, OMIM 255320, HP:0003789.
Central core myopathy (CMYO1A). Also called: CONGENITAL MYOPATHY 1A, AUTOSOMAL DOMINANT, WITH SUSCEPTIBILITY TO MALIGNANT HYPERTHERMIA; Central core disease; Myopathy, central fibrillar. Identifiers: Orphanet 597, MedGen C5830701, MONDO:0007294, OMIM 117000.
King Denborough syndrome (KDS). Identifiers: MedGen C1840365, MONDO:0020485, OMIM 619542.
Malignant hyperthermia, susceptibility to, 1 (MHS1). Also called: Malignant hyperthermia suceptibility 1; Anesthesia related hyperthermia; Malignant hyperpyrexia; Fulminating hyperpyrexia; Pharmacogenic myopathy; RYR1-Related Malignant Hyperthermia Susceptibility. Identifiers: Orphanet 423, MedGen C2930980, MONDO:0007783, OMIM 145600.
RYR1-related disorder. Also called: RYR1-related condition; RYR1-related disorders. Identifiers: MedGen CN239331.
Congenital myopathy with fiber type disproportion. Also called: Congenital fiber-type disproportion; Congenital fiber-type disproportion myopathy. Identifiers: Orphanet 2020, MedGen C0546264, MONDO:0009711. Inheritance: all.

Allele frequency attached by ClinVar (database versions not stated): gnomAD exomes 0.00002 and 0.00004; TOPMed 0.00003; gnomAD 0.00004; ESP Exome Variant Server 0.00008.
gnomAD v4.1: 59 of 1,565,878 alleles (0.0038%); highest among the groups gnomAD compares: Non-Finnish European, 0.0046%; no homozygotes.

Submissions (7):

Labcorp Genetics (formerly Invitae), Labcorp
Classification: Uncertain significance for RYR1-related disorder. Last evaluated: 2025-09-25. Review status: criteria provided, single submitter. Criteria: Invitae Variant Classification Sherloc (09022015). Collection method: clinical testing. Allele origin: germline.
Comment: This sequence change replaces asparagine, which is neutral and polar, with aspartic acid, which is acidic and polar, at codon 3214 of the RYR1 protein (p.Asn3214Asp). The frequency data for this variant in the population databases is considered unreliable, as metrics indicate poor data quality at this position in the gnomAD database. This missense change has been observed in individual(s) with RYR1-related condition (PMID: 32236737). ClinVar contains an entry for this variant (Variation ID: 590636). Invitae Evidence Modeling of protein sequence and biophysical properties (such as structural, functional, and spatial information, amino acid conservation, physicochemical variation, residue mobility, and thermodynamic stability) indicates that this missense variant is not expected to disrupt RYR1 protein function with a negative predictive value of 80%. In summary, the available evidence is currently insufficient to determine the role of this variant in disease. Therefore, it has been classified as a Variant of Uncertain Significance.

Color Diagnostics, LLC DBA Color Health
Classification: Uncertain significance for Malignant hyperthermia, susceptibility to, 1. Last evaluated: 2025-06-10. Review status: criteria provided, single submitter. Criteria: ACMG Guidelines, 2015. Collection method: clinical testing. Allele origin: germline.
Comment: This missense variant replaces asparagine with aspartic acid at codon 3214 of the RYR1 protein. Computational prediction suggests that this variant may have deleterious impact on protein structure and function. To our knowledge, functional studies have not been reported for this variant. This variant has not been reported in individuals affected with RYR1-related disorders in the literature. This variant has been identified in 3/176196 chromosomes in the general population by the Genome Aggregation Database (gnomAD). The available evidence is insufficient to determine the role of this variant in disease conclusively. Therefore, this variant is classified as a Variant of Uncertain Significance.

PreventionGenetics, part of Exact Sciences
Classification: Uncertain significance for RYR1-related condition. Last evaluated: 2025-01-24. Review status: criteria provided, single submitter. Criteria: ACMG Guidelines, 2015. Collection method: clinical testing. Allele origin: germline.
Comment: The RYR1 c.9640A>G variant is predicted to result in the amino acid substitution p.Asn3214Asp. To our knowledge, this variant has not been reported in the literature. This variant is reported in 0.0041% of alleles in individuals of European (Non-Finnish) descent in gnomAD. At this time, the clinical significance of this variant is uncertain due to the absence of conclusive functional and genetic evidence.

GeneDx
Classification: Uncertain significance. Last evaluated: 2023-06-01. Review status: criteria provided, single submitter. Criteria: GeneDx Variant Classification Process June 2021. Collection method: clinical testing. Allele origin: germline. Affected: yes.
Comment: Not observed at a significant frequency in large population cohorts (gnomAD); In silico analysis supports that this missense variant has a deleterious effect on protein structure/function; In silico analysis suggests this variant may impact gene splicing. In the absence of RNA/functional studies, the actual effect of this sequence change is unknown.; Has not been previously published as pathogenic or benign to our knowledge; This variant is associated with the following publications: (PMID: 12668474)

Revvity Omics, Revvity
Classification: Uncertain significance. Last evaluated: 2023-04-12. Review status: criteria provided, single submitter. Criteria: ACMG Guidelines, 2015. Collection method: clinical testing. Allele origin: germline.

Fulgent Genetics
Classification: Uncertain significance for Central core myopathy; Malignant hyperthermia, susceptibility to, 1; Congenital myopathy 4A, autosomal dominant; Congenital multicore myopathy with external ophthalmoplegia; King Denborough syndrome. Last evaluated: 2021-11-08. Review status: criteria provided, single submitter. Criteria: ACMG Guidelines, 2015. Collection method: clinical testing. Allele origin: unknown.

Department of Pathology and Laboratory Medicine, Sinai Health System
Classification: Uncertain significance for Central core myopathy; Malignant hyperthermia, susceptibility to, 1; Congenital multicore myopathy with external ophthalmoplegia; King Denborough syndrome. Last evaluated: 2021-07-30. Review status: criteria provided, single submitter. Criteria: ACMG Guidelines, 2015. Collection method: research. Allele origin: germline.

Literature cited by the submitters: PubMed 32236737 (cited by Labcorp Genetics (formerly Invitae), Labcorp).

NM_000540.3(RYR1):c.9640A>G (p.Asn3214Asp)

Gene: RYR1 (ryanodine receptor 1; plus strand). Cytogenetic location: 19q13.2.
Variant type: single nucleotide variant.
Coding change: c.9640A>G on transcript NM_000540.3 (MANE Select); coding-DNA position 9640, A replaced by G.
Protein change: p.Asn3214Asp; replaces asparagine 3214 with aspartic acid.
Molecular consequence: missense variant.
Genome position (GRCh38, 1-based): chr19:38,516,172, A>G. VCF-style: chr19-38516172-A-G. GRCh37 (hg19) VCF-style: chr19-39006812-A-G.
Other names: c.9640A>G, p.Asn3214Asp (NM_001042723.2); short protein forms N3214D.
Identifiers: ClinVar variation 590636 (VCV000590636.15), dbSNP rs377541724, ClinGen allele CA308128946.